The following is an entry in ClinVar:

ClinVar aggregate classification (germline): Pathogenic (1 of 4 stars; one submission).

Conditions:
Primary ciliary dyskinesia. Also called: Ciliary dyskinesia. Identifiers: Orphanet 244, MedGen C0008780, MONDO:0016575, HP:0012265.

Submission:

Labcorp Genetics (formerly Invitae), Labcorp
Classification: Pathogenic for Primary ciliary dyskinesia. Last evaluated: 2023-04-18. Review status: criteria provided, single submitter. Criteria: Invitae Variant Classification Sherloc (09022015). Collection method: clinical testing. Allele origin: germline.
Comment: For these reasons, this variant has been classified as Pathogenic. This variant disrupts a region of the RPGR (ORF15) protein in which other variant(s) (p.Leu1130Lysfs*13) have been determined to be pathogenic (PMID: 22264887). This suggests that this is a clinically significant region of the protein, and that variants that disrupt it are likely to be disease-causing. This sequence change creates a premature translational stop signal (p.Gly1003Argfs*85) in the RPGR (ORF15) gene. While this is not anticipated to result in nonsense mediated decay, it is expected to disrupt the last 150 amino acid(s) of the RPGR (ORF15) protein. This variant is not present in population databases (gnomAD no frequency). This premature translational stop signal has been observed in individuals with X-linked retinitis pigmentosa (PMID: 14564670, 16969763, 18552978). This variant is also known as g.ORF151254_1257delGGAG or p.Gly1003_Glu1004delinsArgfsX85.

Literature cited by the submitters: PubMed 22264887; PubMed 14564670; PubMed 16969763; PubMed 18552978.

NM_001034853.2(RPGR):c.3007_3010del (p.Gly1003fs)

Gene: RPGR (retinitis pigmentosa GTPase regulator; minus strand). Cytogenetic location: Xp11.4.
Variant type: Deletion.
Coding change: c.3007_3010del on transcript NM_001034853.2 (MANE Select); coding-DNA positions 3007 to 3010, 4 bases deleted (GGAG; older notation c.3007_3010delGGAG).
Protein change: p.Gly1003fs; shifts the reading frame from glycine 1003.
Molecular consequence: frameshift variant. On other transcripts: intron variant (8).
Genome position (GRCh38, 1-based): chrX:38,285,989-38,285,992, CTCC deleted on the plus strand (GGAG on the coding strand, the reverse complement: RPGR is on the minus strand). VCF-style (leftmost placement, unchanged base first): chrX-38285988-TCTCC-T. GRCh37 (hg19) VCF-style: chrX-38145241-TCTCC-T.
Other names: c.1569+4967_1569+4970del (NM_001367249.1, NM_001367250.1); c.1902+1102_1902+1105del (NM_001367245.1); c.1386+4967_1386+4970del (NM_001367251.1); c.1719+1102_1719+1105del (NM_001367246.1); c.1572+4967_1572+4970del (NM_001367247.1); c.1905+1102_1905+1105del (NM_000328.3); c.1602+4967_1602+4970del (NM_001367248.1); short protein forms G1003fs.
Identifiers: ClinVar variation 2737194 (VCV002737194.3), dbSNP rs2519783360, ClinGen allele CA2695232585.
Genomic context (GRCh38, chrX:38,285,988, plus strand): 5'-TCCCCTTCCACTTCCCCTTCCTCTTCTTCCTCCCCTTCTCCCTCCCCTTCTTCCTCTCCC[TCTCC>T]TTCTTCCTCCCCTTCTTCTTCCCCTTCCTCCTCTTCCCCCTCCCCTTCTCCTTCCTCCTC-3'